The following is an entry in ClinVar:

ClinVar aggregate classification (germline): Uncertain significance (1 of 4 stars; one submission).

Submission:

Ambry Genetics
Classification: Uncertain significance. Last evaluated: 2021-11-24. Review status: criteria provided, single submitter. Criteria: Ambry Variant Classification Scheme 2023. Collection method: clinical testing. Allele origin: germline.
Comment: The p.E643K variant (also known as c.1927G>A), located in coding exon 18 of the PRKDC gene, results from a G to A substitution at nucleotide position 1927. The glutamic acid at codon 643 is replaced by lysine, an amino acid with similar properties. This amino acid position is conserved. In addition, this alteration is predicted to be tolerated by in silico analysis. Since supporting evidence is limited at this time, the clinical significance of this alteration remains unclear.

NM_006904.7(PRKDC):c.1927G>A (p.Glu643Lys)

Gene: PRKDC (protein kinase, DNA-activated, catalytic subunit; minus strand). Cytogenetic location: 8q11.21.
Variant type: single nucleotide variant.
Coding change: c.1927G>A on transcript NM_006904.7 (MANE Select); coding-DNA position 1927, G replaced by A.
Protein change: p.Glu643Lys; replaces glutamic acid 643 with lysine.
Molecular consequence: missense variant.
Genome position (GRCh38, 1-based): chr8:47,929,978, C>T on the plus strand (G>A on the coding strand, the complement: PRKDC is on the minus strand). VCF-style: chr8-47929978-C-T. GRCh37 (hg19) VCF-style: chr8-48842538-C-T.
Other names: c.1927G>A, p.Glu643Lys (NM_001081640.2); short protein forms E643K.
Identifiers: ClinVar variation 1782790 (VCV001782790.2), dbSNP rs2551878639, ClinGen allele CA371164352.